The following is an entry in ClinVar:

NM_014727.3(KMT2B):c.5089C>T (p.Pro1697Ser)

Gene: KMT2B (lysine methyltransferase 2B; plus strand). Cytogenetic location: 19q13.12.
Variant type: single nucleotide variant.
Coding change: c.5089C>T on transcript NM_014727.3 (MANE Select); coding-DNA position 5089, C replaced by T.
Protein change: p.Pro1697Ser; replaces proline 1697 with serine.
Molecular consequence: missense variant.
Genome position (GRCh38, 1-based): chr19:35,730,354, C>T. VCF-style: chr19-35730354-C-T. GRCh37 (hg19) VCF-style: chr19-36221255-C-T.
Other names: short protein forms P1697S.
Identifiers: ClinVar variation 1995509 (VCV001995509.5), dbSNP rs956852758, ClinGen allele CA405419406.

ClinVar aggregate classification (germline): Conflicting classifications of pathogenicity. Review status: criteria provided, conflicting classifications (1 of 4 stars). 2 submissions from 2 submitters: Uncertain significance (1); Likely benign (1). Last evaluated 2024-11-07.

Submissions (2):

Women's Health and Genetics/Laboratory Corporation of America, LabCorp
Classification: Uncertain significance. Last evaluated: 2024-11-07. Review status: criteria provided, single submitter. Criteria: LabCorp Variant Classification Summary - May 2015. Collection method: clinical testing. Allele origin: germline.
Comment: Variant summary: KMT2B c.5089C>T (p.Pro1697Ser) results in a non-conservative amino acid change in the encoded protein sequence. Three of five in-silico tools predict a damaging effect of the variant on protein function. The variant allele was found at a frequency of 4e-06 in 249168 control chromosomes. The available data on variant occurrences in the general population are insufficient to allow any conclusion about variant significance. To our knowledge, no occurrence of c.5089C>T in individuals affected with Dystonia 28, Childhood-Onset and no experimental evidence demonstrating its impact on protein function have been reported. ClinVar contains an entry for this variant (Variation ID: 1995509). Based on the evidence outlined above, the variant was classified as uncertain significance.

Labcorp Genetics (formerly Invitae), Labcorp
Classification: Likely benign. Last evaluated: 2022-12-06. Review status: criteria provided, single submitter. Criteria: Invitae Variant Classification Sherloc (09022015). Collection method: clinical testing. Allele origin: germline.